The following is an entry in ClinVar:

NM_000257.4(MYH7):c.1000-164_1000-134del

Gene: MYH7 (myosin heavy chain 7; minus strand). Cytogenetic location: 14q11.2.
Variant type: Deletion.
Coding change: c.1000-164_1000-134del on transcript NM_000257.4 (MANE Select); 164 bases into the intron before coding-DNA position 1000 through 134 bases into the intron before coding-DNA position 1000, 31 bases deleted.
Molecular consequence: intron variant.
Genome position (GRCh38, 1-based): chr14:23,430,047-23,430,077, 31 bases deleted; deleting any 31 consecutive bases within chr14:23,430,047-23,430,103 gives the same sequence; the c. name uses the placement nearest the transcript's 3' end. GRCh37 (hg19): chr14:23,899,282-23,899,312.
Identifiers: ClinVar variation 675664 (VCV000675664.1), dbSNP rs45514401, ClinGen allele CA257825105.

ClinVar aggregate classification (germline): Likely benign (1 of 4 stars; one submission).

Submission:

GeneDx
Classification: Likely benign. Last evaluated: 2018-06-16. Review status: criteria provided, single submitter. Criteria: GeneDx Variant Classification (06012015). Collection method: clinical testing. Allele origin: germline. Affected: yes.
Comment: This variant is considered likely benign or benign based on one or more of the following criteria: it is a conservative change, it occurs at a poorly conserved position in the protein, it is predicted to be benign by multiple in silico algorithms, and/or has population frequency not consistent with disease.